The following is an entry in ClinVar:

ClinVar aggregate classification (germline): Uncertain significance (1 of 4 stars; one submission).

Conditions:
Autosomal dominant nonsyndromic hearing loss 1. Also called: KONIGSMARK SYNDROME; DEAFNESS, AUTOSOMAL DOMINANT 1, WITH OR WITHOUT THROMBOCYTOPENIA. Identifiers: Orphanet 90635, MedGen C1852282, MONDO:0007424, OMIM 124900.

Submission:

Laboratory of Prof. Karen Avraham, Tel Aviv University
Classification: Uncertain significance for Autosomal dominant nonsyndromic hearing loss 1. Last evaluated: 2024-12-25. Review status: criteria provided, single submitter. Criteria: ACMG Guidelines, 2015. Collection method: research. Allele origin: germline. Affected: yes. Observed: 1 variant allele.
Comment: The DIAPH1 c.3469G>A:p.(Glu1157Lys) heterozygous variant is predicted deleterious and not found in gnomAD.

NM_005219.5(DIAPH1):c.3469G>A (p.Glu1157Lys)

Gene: DIAPH1 (diaphanous related formin 1; minus strand). Cytogenetic location: 5q31.3.
Variant type: single nucleotide variant.
Coding change: c.3469G>A on transcript NM_005219.5 (MANE Select); coding-DNA position 3469, G replaced by A.
Protein change: p.Glu1157Lys; replaces glutamic acid 1157 with lysine.
Molecular consequence: missense variant.
Genome position (GRCh38, 1-based): chr5:141,526,143, C>T on the plus strand (G>A on the coding strand, the complement: DIAPH1 is on the minus strand). VCF-style: chr5-141526143-C-T. GRCh37 (hg19) VCF-style: chr5-140905710-C-T.
Other names: DFNA1; c.3442G>A, p.Glu1148Lys (NM_001079812.3); c.3469G>A, p.Glu1157Lys (NM_001314007.2); short protein forms E1148K, E1157K.
Identifiers: ClinVar variation 3393395 (VCV003393395.1).
Genomic context (GRCh38, chr5:141,526,143, plus strand): 5'-GCCGCTCCTTCTCTGCCTTCTCCTTGGCTAGTTTTGCTCGCCTCATCTTTTCTTCTGTCT[C>T]CCGCCGCTTCTGGTTCTCCTTGACTGCTTGCTGGGGCAGGGAAGAGGAGGAAGGAACACA-3'
Protein context (NP_005210.3, residues 1147-1167): QAVKENQKRR[Glu1157Lys]TEEKMRRAKL